The following is an entry in ClinVar:

NM_013314.4(BLNK):c.45G>C (p.Leu15Phe)

Gene: BLNK (B cell linker; minus strand). Cytogenetic location: 10q24.1.
Variant type: single nucleotide variant.
Coding change: c.45G>C on transcript NM_013314.4 (MANE Select); coding-DNA position 45, G replaced by C.
Protein change: p.Leu15Phe; replaces leucine 15 with phenylalanine.
Molecular consequence: missense variant. On other transcripts: non-coding transcript variant (4).
Genome position (GRCh38, 1-based): chr10:96,271,354, C>G on the plus strand (G>C on the coding strand, the complement: BLNK is on the minus strand). VCF-style: chr10-96271354-C-G. GRCh37 (hg19) VCF-style: chr10-98031111-C-G.
Other names: c.45G>C, p.Leu15Phe (NM_001114094.2, NM_001258440.2, NM_001258441.2 and 1 more transcripts); short protein forms L15F.
Identifiers: ClinVar variation 837684 (VCV000837684.8), dbSNP rs138255946, ClinGen allele CA5623636.

ClinVar aggregate classification (germline): Uncertain significance. Review status: criteria provided, multiple submitters, no conflicts (2 of 4 stars). 2 submissions from 2 submitters: Uncertain significance (2). Last evaluated 2025-06-03.

Conditions:
Agammaglobulinemia 4, autosomal recessive (AGM4). Also called: B cell linker protein deficiency; AGAMMAGLOBULINEMIA, AUTOSOMAL RECESSIVE, DUE TO BLNK DEFECT. Identifiers: MedGen C3150752, MONDO:0013289, OMIM 613502.
Inborn genetic diseases. Identifiers: MedGen C0950123, MeSH D030342.

Allele frequency attached by ClinVar (database versions not stated): ESP Exome Variant Server 0.00015; TOPMed 0.00017; gnomAD exomes 0.00004; ExAC 0.00005; gnomAD 0.00009 and 0.00008.
gnomAD v4.1: 30 of 1,614,044 alleles (0.0019%); highest among the groups gnomAD compares: African/African-American, 0.037%; no homozygotes.

Submissions (2):

Ambry Genetics
Classification: Uncertain significance for Inborn genetic diseases. Last evaluated: 2025-06-03. Review status: criteria provided, single submitter. Criteria: Ambry Variant Classification Scheme 2023. Collection method: clinical testing. Allele origin: germline.

Labcorp Genetics (formerly Invitae), Labcorp
Classification: Uncertain significance for Agammaglobulinemia 4, autosomal recessive. Last evaluated: 2021-08-24. Review status: criteria provided, single submitter. Criteria: Invitae Variant Classification Sherloc (09022015). Collection method: clinical testing. Allele origin: germline.
Comment: This sequence change replaces leucine with phenylalanine at codon 15 of the BLNK protein (p.Leu15Phe). The leucine residue is moderately conserved and there is a small physicochemical difference between leucine and phenylalanine. This variant is present in population databases (rs138255946, ExAC 0.06%). This variant has not been reported in the literature in individuals affected with BLNK-related conditions. Algorithms developed to predict the effect of missense changes on protein structure and function (SIFT, PolyPhen-2, Align-GVGD) all suggest that this variant is likely to be tolerated. In summary, the available evidence is currently insufficient to determine the role of this variant in disease. Therefore, it has been classified as a Variant of Uncertain Significance.